The following is an entry in ClinVar:

NM_001365999.1(SZT2):c.9928G>A (p.Ala3310Thr)

Genes: SZT2 (SZT2 subunit of KICSTOR complex; plus strand), SZT2-AS1 (SZT2 antisense RNA 1; minus strand). Cytogenetic location: 1p34.2.
Variant type: single nucleotide variant.
Coding change: c.9928G>A on transcript NM_001365999.1 (MANE Select); coding-DNA position 9928, G replaced by A.
Protein change: p.Ala3310Thr; replaces alanine 3310 with threonine.
Molecular consequence: missense variant. On other transcripts: non-coding transcript variant (1).
Genome position (GRCh38, 1-based): chr1:43,448,443, G>A. VCF-style: chr1-43448443-G-A. GRCh37 (hg19) VCF-style: chr1-43914114-G-A.
Other names: c.9757G>A (NM_015284.3); c.9757G>A, p.Ala3253Thr (NM_015284.4); short protein forms A3253T, A3310T.
Identifiers: ClinVar variation 1010992 (VCV001010992.7), dbSNP rs371959235, ClinGen allele CA811034.

ClinVar aggregate classification (germline): Uncertain significance. Review status: criteria provided, multiple submitters, no conflicts (2 of 4 stars). 2 submissions from 2 submitters: Uncertain significance (2). Last evaluated 2025-11-24.

Conditions:
Inborn genetic diseases. Identifiers: MedGen C0950123, MeSH D030342.

Allele frequency attached by ClinVar (database versions not stated): gnomAD 0.00001; ExAC 0.00002; ESP Exome Variant Server 0.00008; gnomAD exomes below 0.00001 and 0.00002; TOPMed 0.00001.
gnomAD v4.1: 30 of 1,608,108 alleles (0.0019%); highest among the groups gnomAD compares: Non-Finnish European, 0.0024%; no homozygotes.

Submissions (2):

Ambry Genetics
Classification: Uncertain significance for Inborn genetic diseases. Last evaluated: 2025-11-24. Review status: criteria provided, single submitter. Criteria: Ambry Variant Classification Scheme 2023. Collection method: clinical testing. Allele origin: germline.

Labcorp Genetics (formerly Invitae), Labcorp
Classification: Uncertain significance. Last evaluated: 2021-08-28. Review status: criteria provided, single submitter. Criteria: Invitae Variant Classification Sherloc (09022015). Collection method: clinical testing. Allele origin: germline.
Comment: This sequence change replaces alanine with threonine at codon 3253 of the SZT2 protein (p.Ala3253Thr). The alanine residue is highly conserved and there is a small physicochemical difference between alanine and threonine. This variant is present in population databases (rs371959235, ExAC 0.003%). This variant has not been reported in the literature in individuals affected with SZT2-related conditions. Algorithms developed to predict the effect of missense changes on protein structure and function are either unavailable or do not agree on the potential impact of this missense change (SIFT: "Tolerated"; PolyPhen-2: "Probably Damaging"; Align-GVGD: "Class C0"). In summary, the available evidence is currently insufficient to determine the role of this variant in disease. Therefore, it has been classified as a Variant of Uncertain Significance.